The following is an entry in ClinVar:

NM_000257.4(MYH7):c.1353G>A (p.Gln451=)

Gene: MYH7 (myosin heavy chain 7; minus strand). Cytogenetic location: 14q11.2.
Variant type: single nucleotide variant.
Coding change: c.1353G>A on transcript NM_000257.4 (MANE Select); coding-DNA position 1353, G replaced by A.
Protein change: p.Gln451=; no amino-acid change (glutamine 451 retained).
Molecular consequence: synonymous variant.
Genome position (GRCh38, 1-based): chr14:23,429,009, C>T on the plus strand (G>A on the coding strand, the complement: MYH7 is on the minus strand). VCF-style: chr14-23429009-C-T. GRCh37 (hg19) VCF-style: chr14-23898218-C-T.
Identifiers: ClinVar variation 923668 (VCV000923668.13), dbSNP rs144047238, ClinGen allele CA257823341.

ClinVar aggregate classification (germline): Likely benign. Review status: criteria provided, multiple submitters, no conflicts (2 of 4 stars). 5 submissions from 5 submitters: Likely benign (5). Last evaluated 2025-10-23.

Conditions:
Cardiomyopathy (CMYO). Also called: Cardiomyopathies. Identifiers: Orphanet 167848, MedGen C0878544, MONDO:0004994, HP:0001638. Inheritance: Various modes of inheritance.
Cardiovascular phenotype. Identifiers: MedGen CN230736.
Hypertrophic cardiomyopathy. Also called: HYPERTROPHIC MYOCARDIOPATHY. Identifiers: Orphanet 217569, MedGen C0007194, MeSH D002312, MONDO:0005045, HP:0001639.

Allele frequency attached by ClinVar (database versions not stated): gnomAD exomes below 0.00001; TOPMed below 0.00001; ESP Exome Variant Server 0.00008.
gnomAD v4.1: 5 of 1,614,234 alleles (0.00031%); highest among the groups gnomAD compares: Non-Finnish European, 0.00042%; no homozygotes.

Submissions (5):

Labcorp Genetics (formerly Invitae), Labcorp
Classification: Likely benign for Hypertrophic cardiomyopathy. Last evaluated: 2025-10-23. Review status: criteria provided, single submitter. Criteria: Invitae Variant Classification Sherloc (09022015). Collection method: clinical testing. Allele origin: germline.

Ambry Genetics
Classification: Likely benign for Cardiovascular phenotype. Last evaluated: 2024-08-19. Review status: criteria provided, single submitter. Criteria: Ambry Variant Classification Scheme 2023. Collection method: clinical testing. Allele origin: germline.

All of Us Research Program, National Institutes of Health
Classification: Likely benign for Cardiomyopathy. Last evaluated: 2023-11-20. Review status: criteria provided, single submitter. Criteria: ACMG Guidelines, 2015. Collection method: clinical testing. Allele origin: germline. Inheritance: Autosomal dominant inheritance. Observed: 3 variant alleles, 3 heterozygotes.
Comment: This study involves interpretation of variants in research participants for the purpose of population health screening. Participant phenotype was not available at the time of variant classification. Additional details can be found in publication PMID: 35346344, PMCID: PMC8962531

Blueprint Genetics
Classification: Likely benign. Last evaluated: 2019-09-13. Review status: criteria provided, single submitter. Criteria: ACMG Guidelines, 2015. Collection method: clinical testing. Allele origin: germline.

Color Diagnostics, LLC DBA Color Health
Classification: Likely benign for Cardiomyopathy. Last evaluated: 2018-11-03. Review status: criteria provided, single submitter. Criteria: ACMG Guidelines, 2015. Collection method: clinical testing. Allele origin: germline.